The following is an entry in ClinVar:

ClinVar aggregate classification (germline): Uncertain significance (1 of 4 stars; one submission).

Conditions:
Inborn genetic diseases. Identifiers: MedGen C0950123, MeSH D030342.

Submission:

Ambry Genetics
Classification: Uncertain significance for Inborn genetic diseases. Last evaluated: 2025-05-31. Review status: criteria provided, single submitter. Criteria: Ambry Variant Classification Scheme 2023. Collection method: clinical testing. Allele origin: germline.
Comment: The p.S236C variant (also known as c.707C>G), located in coding exon 3 of the PIK3CA gene, results from a C to G substitution at nucleotide position 707. The serine at codon 236 is replaced by cysteine, an amino acid with dissimilar properties. This amino acid position is conserved. In addition, this alteration is predicted to be tolerated by in silico analysis. Based on the available evidence, the clinical significance of this variant remains unclear.

NM_006218.4(PIK3CA):c.707C>G (p.Ser236Cys)

Gene: PIK3CA (phosphatidylinositol-4,5-bisphosphate 3-kinase catalytic subunit alpha; plus strand). Cytogenetic location: 3q26.32.
Variant type: single nucleotide variant.
Coding change: c.707C>G on transcript NM_006218.4 (MANE Select); coding-DNA position 707, C replaced by G.
Protein change: p.Ser236Cys; replaces serine 236 with cysteine.
Molecular consequence: missense variant.
Genome position (GRCh38, 1-based): chr3:179,201,434, C>G. VCF-style: chr3-179201434-C-G. GRCh37 (hg19) VCF-style: chr3-178919222-C-G.
Other names: short protein forms S236C.
Identifiers: ClinVar variation 3932414 (VCV003932414.1).